The following is an entry in ClinVar:

NM_001348800.3(ZBTB20):c.1177C>T (p.Gln393Ter)

Gene: ZBTB20 (zinc finger and BTB domain containing 20; minus strand). Cytogenetic location: 3q13.31.
Variant type: single nucleotide variant.
Coding change: c.1177C>T on transcript NM_001348800.3 (MANE Select); coding-DNA position 1177, C replaced by T.
Protein change: p.Gln393Ter; replaces glutamine 393 with a stop codon.
Molecular consequence: nonsense.
Genome position (GRCh38, 1-based): chr3:114,350,901, G>A on the plus strand (C>T on the coding strand, the complement: ZBTB20 is on the minus strand). VCF-style: chr3-114350901-G-A. GRCh37 (hg19) VCF-style: chr3-114069748-G-A.
Other names: c.1177C>T, p.Gln393Ter (NM_001164342.2, NM_001348803.3, NM_001393393.1 and 1 more transcripts); c.958C>T, p.Gln320Ter (NM_001164343.2, NM_001164344.4, NM_001164345.4 and 9 more transcripts); short protein forms Q320*, Q393*.
Identifiers: ClinVar variation 3372559 (VCV003372559.1).
Genomic context (GRCh38, chr3:114,350,901, plus strand): 5'-CAGCCTGCTCGGGTTGGGTGGGTTCAGCCTGGCTGTCCCGCGCCGCCCCAGGCCCAAACT[G>A]CTGCTCCACCGAGTCAGGCTCGGTGCCTATGGAGGAGCTGACGCCCGAGTCGAAGCTTTC-3'

ClinVar aggregate classification (germline): Pathogenic (1 of 4 stars; one submission).

Submission:

GeneDx
Classification: Pathogenic. Last evaluated: 2024-04-15. Review status: criteria provided, single submitter. Criteria: GeneDx Variant Classification Process June 2021. Collection method: clinical testing. Allele origin: germline. Affected: yes.
Comment: Nonsense variant predicted to result in protein truncation or nonsense mediated decay in a gene for which loss of function is a known mechanism of disease; Not observed at significant frequency in large population cohorts (gnomAD); Has not been previously published as pathogenic or benign to our knowledge